The following is an entry in ClinVar:

NM_004628.5(XPC):c.49C>T (p.Arg17Cys)

Genes: XPC (XPC complex subunit, DNA damage recognition and repair factor; minus strand), LOC129936244 (ATAC-STARR-seq lymphoblastoid active region 19500; plus strand). Cytogenetic location: 3p25.1.
Variant type: single nucleotide variant.
Coding change: c.49C>T on transcript NM_004628.5 (MANE Select); coding-DNA position 49, C replaced by T.
Protein change: p.Arg17Cys; replaces arginine 17 with cysteine.
Molecular consequence: missense variant. On other transcripts: 5 prime UTR variant (1), non-coding transcript variant (2).
Genome position (GRCh38, 1-based): chr3:14,178,520, G>A on the plus strand (C>T on the coding strand, the complement: XPC is on the minus strand). VCF-style: chr3-14178520-G-A. GRCh37 (hg19) VCF-style: chr3-14220020-G-A.
Other names: c.-407C>T (NM_001354726.2); c.49C>T, p.Arg17Cys (NM_001354727.2, NM_001354729.2, NM_001354730.2); short protein forms R17C.
Identifiers: ClinVar variation 3685088 (VCV003685088.3).

ClinVar aggregate classification (germline): Conflicting classifications of pathogenicity. Review status: criteria provided, conflicting classifications (1 of 4 stars). 2 submissions from 2 submitters: Uncertain significance (1); Likely benign (1). Last evaluated 2024-10-07.

gnomAD v4.1: 6 of 1,612,840 alleles (0.00037%); highest among the groups gnomAD compares: South Asian, 0.0022%; no homozygotes.

Submissions (2):

Labcorp Genetics (formerly Invitae), Labcorp
Classification: Uncertain significance. Last evaluated: 2024-10-07. Review status: criteria provided, single submitter. Criteria: Invitae Variant Classification Sherloc (09022015). Collection method: clinical testing. Allele origin: germline.
Comment: This sequence change replaces arginine, which is basic and polar, with cysteine, which is neutral and slightly polar, at codon 17 of the XPC protein (p.Arg17Cys). This variant is present in population databases (rs752392227, gnomAD 0.003%). This variant has not been reported in the literature in individuals affected with XPC-related conditions. An algorithm developed to predict the effect of missense changes on protein structure and function outputs the following: PolyPhen-2: "Benign". The cysteine amino acid residue is found in multiple mammalian species, which suggests that this missense change does not adversely affect protein function. In summary, the available evidence is currently insufficient to determine the role of this variant in disease. Therefore, it has been classified as a Variant of Uncertain Significance.

Blueprint Genetics
Classification: Likely benign. Last evaluated: 2022-01-27. Review status: criteria provided, single submitter. Criteria: ACMG Guidelines, 2015. Collection method: clinical testing. Allele origin: germline.